The following is an entry in ClinVar:

ClinVar aggregate classification (germline): Uncertain significance. Review status: criteria provided, multiple submitters, no conflicts (2 of 4 stars). 2 submissions from 2 submitters: Uncertain significance (2). Last evaluated 2022-05-25.

Conditions:
Neuropathy, hereditary sensory, type 2C. Also called: Hereditary sensory and autonomic neuropathy type IIC; KIF1A-Related HSAN2 (HSAN2C). Identifiers: Orphanet 970, MedGen C3280168, MONDO:0013634, OMIM 614213.
Intellectual disability, autosomal dominant 9 (NESCAVS). Also called: NESCAV SYNDROME; KIF1A-Related Neurodevelopmental Disorder. Identifiers: Orphanet 662367, MedGen C5393830, MONDO:0013656, OMIM 614255.
Hereditary spastic paraplegia 30. Identifiers: Orphanet 101010, MedGen C5235139, MONDO:0012476.
Inborn genetic diseases. Identifiers: MedGen C0950123, MeSH D030342.

Submissions (2):

Ambry Genetics
Classification: Uncertain significance for Inborn genetic diseases. Last evaluated: 2022-05-25. Review status: criteria provided, single submitter. Criteria: Ambry Variant Classification Scheme 2023. Collection method: clinical testing. Allele origin: germline.

Labcorp Genetics (formerly Invitae), Labcorp
Classification: Uncertain significance for Hereditary spastic paraplegia 30; Neuropathy, hereditary sensory, type 2C; Intellectual disability, autosomal dominant 9. Last evaluated: 2022-02-17. Review status: criteria provided, single submitter. Criteria: Invitae Variant Classification Sherloc (09022015). Collection method: clinical testing. Allele origin: germline.
Comment: In summary, the available evidence is currently insufficient to determine the role of this variant in disease. Therefore, it has been classified as a Variant of Uncertain Significance. Algorithms developed to predict the effect of sequence changes on RNA splicing suggest that this variant is not likely to affect RNA splicing. Algorithms developed to predict the effect of missense changes on protein structure and function (SIFT, PolyPhen-2, Align-GVGD) all suggest that this variant is likely to be disruptive. This variant has not been reported in the literature in individuals affected with KIF1A-related conditions. This variant is not present in population databases (gnomAD no frequency). This sequence change replaces asparagine, which is neutral and polar, with serine, which is neutral and polar, at codon 337 of the KIF1A protein (p.Asn337Ser).

NM_001244008.2(KIF1A):c.1010A>G (p.Asn337Ser)

Gene: KIF1A (kinesin family member 1A; minus strand). Cytogenetic location: 2q37.3.
Variant type: single nucleotide variant.
Coding change: c.1010A>G on transcript NM_001244008.2 (MANE Select); coding-DNA position 1010, A replaced by G.
Protein change: p.Asn337Ser; replaces asparagine 337 with serine.
Molecular consequence: missense variant.
Genome position (GRCh38, 1-based): chr2:240,774,210, T>C on the plus strand (A>G on the coding strand, the complement: KIF1A is on the minus strand). VCF-style: chr2-240774210-T-C. GRCh37 (hg19) VCF-style: chr2-241713627-T-C.
Other names: c.1010A>G, p.Asn337Ser (NM_001320705.2, NM_001330289.2, NM_001330290.2 and 21 more transcripts); short protein forms N337S.
Identifiers: ClinVar variation 2097998 (VCV002097998.5), dbSNP rs2537957124, ClinGen allele CA351296721.
Genomic context (GRCh38, chr2:240,774,210, plus strand): 5'-GGGAAGCAGAGCTTGTCTCCCTGGAGAACTCACCTCAGCGTGCTAAGGGTCTCATCGTAG[T>C]TGATGTCTGCAGGACTCAAGGCTGCCACCATAGCTGTCCTTGAGTTACCGCCTGTGGGAA-3'
Protein context (NP_001230937.1, residues 327-347): MVAALSPADI[Asn337Ser]YDETLSTLRY